The following is an entry in ClinVar:

NM_133379.5(TTN):c.11075G>C (p.Ser3692Thr)

Gene: TTN (titin; minus strand). Cytogenetic location: 2q31.2.
Variant type: single nucleotide variant.
Coding change: c.11075G>C on transcript NM_133379.5; coding-DNA position 11075, G replaced by C.
Protein change: p.Ser3692Thr; replaces serine 3692 with threonine.
Molecular consequence: missense variant. On other transcripts: intron variant (6).
Genome position (GRCh38, 1-based): chr2:178,751,325, C>G on the plus strand (G>C on the coding strand, the complement: TTN is on the minus strand). VCF-style: chr2-178751325-C-G. GRCh37 (hg19) VCF-style: chr2-179616052-C-G.
Other names: p.S3692T:AGT>ACT; c.10360+1799G>C (NM_133378.4, NM_001256850.1); c.10222+1799G>C (NM_003319.4); c.10798+1799G>C (NM_133437.4); c.10597+1799G>C (NM_133432.3); c.11311+1799G>C (NM_001267550.2); short protein forms S3692T.
Identifiers: ClinVar variation 47732 (VCV000047732.41), dbSNP rs147314430, ClinGen allele CA141795.
Genomic context (GRCh38, chr2:178,751,325, plus strand): 5'-AATGTTTTTCTAGCCTCCCTTAAACGTTGCAACTTCACTTTGGTCTCCTTGTCCAGGAAA[C>G]TTTCACCTACATTAAGCCAACCTCTTATGTCAGATTTACTTTCTAAATATTCTTCATCAT-3'

ClinVar aggregate classification (germline): Conflicting classifications of pathogenicity. Review status: criteria provided, conflicting classifications (1 of 4 stars). 7 submissions from 7 submitters: Uncertain significance (2); Benign (1); Likely benign (4). Last evaluated 2026-06-01.

Conditions:
Dilated cardiomyopathy 1G (CMD1G). Identifiers: Orphanet 154, MedGen C1858763, MONDO:0011400, OMIM 604145.
Autosomal recessive limb-girdle muscular dystrophy type 2J (LGMDR10). Also called: Limb-girdle muscular dystrophy, type 2J; MUSCULAR DYSTROPHY, LIMB-GIRDLE, AUTOSOMAL RECESSIVE 10. Identifiers: Orphanet 140922, MedGen C1837342, MONDO:0012127, OMIM 608807.
Myopathy, myofibrillar, 9, with early respiratory failure (MFM9). Also called: Hereditary myopathy with early respiratory failure; Myopathy, distal, with early respiratory failure, autosomal dominant; EDSTROM MYOPATHY; MYOPATHY, PROXIMAL, WITH EARLY RESPIRATORY MUSCLE INVOLVEMENT. Identifiers: Orphanet 178464, Orphanet 34521, MedGen C1863599, MONDO:0011362, OMIM 603689.
Tibial muscular dystrophy (TMD). Also called: Udd Distal Myopathy – Tibial Muscular Dystrophy; Tibial muscular dystrophy, tardive; UDD MYOPATHY. Identifiers: Orphanet 609, MedGen C1838244, MONDO:0010870, OMIM 600334.
Early-onset myopathy with fatal cardiomyopathy (CMYO5). Also called: Salih Myopathy; CONGENITAL MYOPATHY 5 WITH CARDIOMYOPATHY. Identifiers: Orphanet 289377, MedGen C2673677, MONDO:0012714, OMIM 611705. Disease mechanism: loss of function.
Hypertrophic cardiomyopathy 9. Also called: Familial hypertrophic cardiomyopathy 9. Identifiers: MedGen C1861065, MONDO:0013412, OMIM 613765.

Allele frequency attached by ClinVar (database versions not stated): 1000 Genomes Project 30x 0.00016; 1000 Genomes Project 0.00020; TOPMed 0.00066; gnomAD 0.00071; ESP Exome Variant Server 0.00085; ExAC 0.00093; gnomAD exomes 0.00107.
gnomAD v4.1: 866 of 1,610,262 alleles (0.054%); highest among the groups gnomAD compares: Admixed American, 0.11%; 6 homozygotes.

Submissions (7):

CeGaT Center for Human Genetics Tuebingen
Classification: Benign. Last evaluated: 2026-06-01. Review status: criteria provided, single submitter. Criteria: CeGaT Center For Human Genetics Tuebingen Variant Classification Criteria Version 2. Collection method: clinical testing. Allele origin: germline. Affected: yes. Observed: 35 variant alleles.
Comment: TTN: BP4, BS1, BS2

Blueprint Genetics
Classification: Likely benign. Last evaluated: 2024-11-11. Review status: criteria provided, single submitter. Criteria: ACMG Guidelines, 2015. Collection method: clinical testing. Allele origin: germline.

ARUP Laboratories, Molecular Genetics and Genomics, ARUP Laboratories
Classification: Likely benign. Last evaluated: 2024-05-17. Review status: criteria provided, single submitter. Criteria: ARUP Molecular Germline Variant Investigation Process 2024. Collection method: clinical testing. Allele origin: germline.

Eurofins Ntd Llc (ga)
Classification: Likely benign. Last evaluated: 2016-10-16. Review status: criteria provided, single submitter. Criteria: EGL Classification Definitions 2015. Collection method: clinical testing. Allele origin: germline. Observed: 1 variant allele, 1 heterozygote.

GeneDx
Classification: Uncertain significance. Last evaluated: 2015-06-08. Review status: criteria provided, single submitter. Criteria: GeneDx Variant Classification (06012015). Collection method: clinical testing. Allele origin: germline. Affected: yes.
Comment: Missense variants in the TTN gene are considered 'unclassified' if they are not previously reported in the literature and do not have >1% frequency in the population to be considered a polymorphism. Research indicates that truncating mutations in the TTN gene are expected to account for approximately 25% of familial and 18% of sporadic idiopathic DCM; however, truncating variants in the TTN gene have been reported in approximately 3% of reported control alleles. There has been little investigation into non-truncating variants. (Herman D et al. Truncations of titin causing dilated cardiomyopathy. N Eng J Med 366:619-628, 2012) The variant is found in CARDIOMYOPATHY panel(s).

Biesecker Lab/Clinical Genomics Section, National Institutes of Health
Classification: Likely benign. Last evaluated: 2013-06-24. Review status: criteria provided, single submitter. Criteria: Ng et al. (Circ Cardiovasc Genet. 2013). Collection method: research. Allele origin: unknown. Observed: 3 variant alleles. Study: ClinSeq.
Comment: The study set was not selected for affection status in relation to any cancer. Pathogenicity categories were based on literature curation. See Pubmed ID:23861362 for details.

Medical sequencing

Laboratory for Molecular Medicine, Mass General Brigham Personalized Medicine
Classification: Uncertain significance. Last evaluated: 2012-10-24. Review status: criteria provided, single submitter. Criteria: LMM Criteria. Collection method: clinical testing. Allele origin: germline. Observed: 1 variant allele.
Comment: Variant classified as Uncertain Significance - Favor Benign. The Ser3692Thr vari ant in TTN has not been reported in the literature nor previously identified by our laboratory. This variant has been identified in 0.1% (11/8598) of European A merican chromosomes from a broad population by the NHLBI Exome Sequencing Projec t (dbSNP rs147314430). Computational analyses are limited or unavailable for this variant. In summary, the low frequency of th is variant suggest that it is likely benign, though this is insufficient to esta blish this with certainty. Additional information is needed to fully assess the clinical significance of this variant.